The following is an entry in ClinVar:

NM_020376.4(PNPLA2):c.425A>G (p.Asn142Ser)

Gene: PNPLA2 (patatin like domain 2, triacylglycerol lipase; plus strand). Cytogenetic location: 11p15.5.
Variant type: single nucleotide variant.
Coding change: c.425A>G on transcript NM_020376.4 (MANE Select); coding-DNA position 425, A replaced by G.
Protein change: p.Asn142Ser; replaces asparagine 142 with serine.
Molecular consequence: missense variant.
Genome position (GRCh38, 1-based): chr11:821,962, A>G. VCF-style: chr11-821962-A-G. GRCh37 (hg19) VCF-style: chr11-821962-A-G.
Other names: short protein forms N142S.
Identifiers: ClinVar variation 465794 (VCV000465794.8), dbSNP rs758738508, ClinGen allele CA5790997.
Genomic context (GRCh38, chr11:821,962, plus strand): 5'-CAGTGGGAACCTCAAGGCCTCTGCTCATTCTCTCCCACTCTGTCCCTGCCCTGAAGGCCA[A>G]TGTCTGCAGCGGTTTCATCCCCGTGTACTGTGGGCTCATCCCTCCCTCCCTCCAGGGGGT-3'
Protein context (NP_065109.1, residues 132-152): FNSKDELIQA[Asn142Ser]VCSGFIPVYC

ClinVar aggregate classification (germline): Uncertain significance. Review status: criteria provided, multiple submitters, no conflicts (2 of 4 stars). 2 submissions from 2 submitters: Uncertain significance (2). Last evaluated 2022-07-03.

Conditions:
Inborn genetic diseases. Identifiers: MedGen C0950123, MeSH D030342.
Neutral lipid storage myopathy (NLSDM). Also called: NEUTRAL LIPID STORAGE DISEASE WITHOUT ICHTHYOSIS. Identifiers: Orphanet 98908, MedGen C1853136, MONDO:0012545, OMIM 610717.

Allele frequency attached by ClinVar (database versions not stated): TOPMed 0.00001; gnomAD 0.00002; gnomAD exomes 0.00006; ExAC 0.00007.

Submissions (2):

Labcorp Genetics (formerly Invitae), Labcorp
Classification: Uncertain significance for Neutral lipid storage myopathy. Last evaluated: 2022-07-03. Review status: criteria provided, single submitter. Criteria: Invitae Variant Classification Sherloc (09022015). Collection method: clinical testing. Allele origin: germline.
Comment: This sequence change replaces asparagine, which is neutral and polar, with serine, which is neutral and polar, at codon 142 of the PNPLA2 protein (p.Asn142Ser). This variant is present in population databases (rs758738508, gnomAD 0.04%). This variant has not been reported in the literature in individuals affected with PNPLA2-related conditions. ClinVar contains an entry for this variant (Variation ID: 465794). Algorithms developed to predict the effect of missense changes on protein structure and function (SIFT, PolyPhen-2, Align-GVGD) all suggest that this variant is likely to be tolerated. In summary, the available evidence is currently insufficient to determine the role of this variant in disease. Therefore, it has been classified as a Variant of Uncertain Significance.

Ambry Genetics
Classification: Uncertain significance for Inborn genetic diseases. Last evaluated: 2021-06-22. Review status: criteria provided, single submitter. Criteria: Ambry Variant Classification Scheme 2023. Collection method: clinical testing. Allele origin: germline.